The following is an entry in ClinVar:

ClinVar aggregate classification (germline): Uncertain significance (1 of 4 stars; one submission).

Conditions:
Cardiovascular phenotype. Identifiers: MedGen CN230736.

Submission:

Ambry Genetics
Classification: Uncertain significance for Cardiovascular phenotype. Last evaluated: 2021-08-22. Review status: criteria provided, single submitter. Criteria: Ambry Variant Classification Scheme 2023. Collection method: clinical testing. Allele origin: germline.
Comment: The p.I2972T variant (also known as c.8915T>C), located in coding exon 25 of the TNXB gene, results from a T to C substitution at nucleotide position 8915. The isoleucine at codon 2972 is replaced by threonine, an amino acid with similar properties. This amino acid position is conserved. In addition, this alteration is predicted to be tolerated by in silico analysis. Since supporting evidence is limited at this time, the clinical significance of this alteration remains unclear.

NM_001365276.2(TNXB):c.8921T>C (p.Ile2974Thr)

Gene: TNXB (tenascin XB; minus strand). Cytogenetic location: 6p21.33.
Variant type: single nucleotide variant.
Coding change: c.8921T>C on transcript NM_001365276.2 (MANE Select); coding-DNA position 8921, T replaced by C.
Protein change: p.Ile2974Thr; replaces isoleucine 2974 with threonine.
Molecular consequence: missense variant.
Genome position (GRCh38, 1-based): chr6:32,052,864, A>G on the plus strand (T>C on the coding strand, the complement: TNXB is on the minus strand). VCF-style: chr6-32052864-A-G. GRCh37 (hg19) VCF-style: chr6-32020641-A-G.
Other names: c.8915T>C, p.Ile2972Thr (NM_019105.8); short protein forms I2974T, I2972T.
Identifiers: ClinVar variation 1765092 (VCV001765092.2), dbSNP rs748557623, ClinGen allele CA363545438.